The following is an entry in ClinVar:

NM_006118.4(HAX1):c.195C>G (p.Phe65Leu)

Gene: HAX1 (HCLS1 associated protein X-1; plus strand). Cytogenetic location: 1q21.3.
Variant type: single nucleotide variant.
Coding change: c.195C>G on transcript NM_006118.4 (MANE Select); coding-DNA position 195, C replaced by G.
Protein change: p.Phe65Leu; replaces phenylalanine 65 with leucine.
Molecular consequence: missense variant. On other transcripts: intron variant (1).
Genome position (GRCh38, 1-based): chr1:154,273,477, C>G. VCF-style: chr1-154273477-C-G. GRCh37 (hg19) VCF-style: chr1-154245953-C-G.
Other names: c.54-3C>G (NM_001018837.2); short protein forms F65L.
Identifiers: ClinVar variation 4269026 (VCV004269026.1).
Genomic context (GRCh38, chr1:154,273,477, plus strand): 5'-CCGTGGGAACCCAAGGTTCCATAGTCCTCAGCACCCCCCTGAGGAATTTGGCTTCGGCTT[C>G]AGCTTCAGCCCAGGAGGAGGGATACGTTTCCACGATAACTTCGGCTTTGATGACCTAGTA-3'
Protein context (NP_006109.2, residues 55-75): QHPPEEFGFG[Phe65Leu]SFSPGGGIRF

ClinVar aggregate classification (germline): Uncertain significance (1 of 4 stars; one submission).

Conditions:
Inborn genetic diseases. Identifiers: MedGen C0950123, MeSH D030342.

Submission:

Ambry Genetics
Classification: Uncertain significance for Inborn genetic diseases. Last evaluated: 2025-07-04. Review status: criteria provided, single submitter. Criteria: Ambry Variant Classification Scheme 2023. Collection method: clinical testing. Allele origin: germline.
Comment: The p.F65L variant (also known as c.195C>G), located in coding exon 2 of the HAX1 gene, results from a C to G substitution at nucleotide position 195. The phenylalanine at codon 65 is replaced by leucine, an amino acid with highly similar properties. This amino acid position is conserved. In addition, this alteration is predicted to be tolerated by in silico analysis. Based on the available evidence, the clinical significance of this variant remains unclear.